The following is an entry in ClinVar:

ClinVar aggregate classification (germline): Uncertain significance (1 of 4 stars; one submission).

gnomAD v4.1: 8 of 1,614,124 alleles (0.0005%); highest among the groups gnomAD compares: South Asian, 0.0088%; no homozygotes.

Submission:

Ambry Genetics
Classification: Uncertain significance. Last evaluated: 2024-03-13. Review status: criteria provided, single submitter. Criteria: Ambry Variant Classification Scheme 2023. Collection method: clinical testing. Allele origin: germline.
Comment: The p.R364L variant (also known as c.1091G>T), located in coding exon 3 of the TERF2IP gene, results from a G to T substitution at nucleotide position 1091. The arginine at codon 364 is replaced by leucine, an amino acid with dissimilar properties. This amino acid position is conserved. In addition, the in silico prediction for this alteration is inconclusive. Since supporting evidence is limited at this time, the clinical significance of this alteration remains unclear.

NM_018975.4(TERF2IP):c.1091G>T (p.Arg364Leu)

Gene: TERF2IP (TERF2 interacting protein; plus strand). Cytogenetic location: 16q23.1.
Variant type: single nucleotide variant.
Coding change: c.1091G>T on transcript NM_018975.4 (MANE Select); coding-DNA position 1091, G replaced by T.
Protein change: p.Arg364Leu; replaces arginine 364 with leucine.
Molecular consequence: missense variant. On other transcripts: non-coding transcript variant (1).
Genome position (GRCh38, 1-based): chr16:75,656,502, G>T. VCF-style: chr16-75656502-G-T. GRCh37 (hg19) VCF-style: chr16-75690400-G-T.
Other names: short protein forms R364L.
Identifiers: ClinVar variation 1789501 (VCV001789501.2), dbSNP rs752369066, ClinGen allele CA8178164.